The following is an entry in ClinVar:

ClinVar aggregate classification (germline): Uncertain significance. Review status: criteria provided, multiple submitters, no conflicts (2 of 4 stars). 2 submissions from 2 submitters: Uncertain significance (2). Last evaluated 2025-08-20.

Conditions:
Neuropathy, hereditary sensory, type 2C. Also called: KIF1A-Related HSAN2 (HSAN2C); Hereditary sensory and autonomic neuropathy type IIC. Identifiers: Orphanet 970, MedGen C3280168, MONDO:0013634, OMIM 614213.
Intellectual disability, autosomal dominant 9 (NESCAVS). Also called: NESCAV SYNDROME; KIF1A-Related Neurodevelopmental Disorder. Identifiers: Orphanet 662367, MedGen C5393830, MONDO:0013656, OMIM 614255.
Hereditary spastic paraplegia 30. Identifiers: Orphanet 101010, MedGen C5235139, MONDO:0012476.

Allele frequency attached by ClinVar (database versions not stated): gnomAD exomes 0.00001 and 0.00002; gnomAD 0.00004 and 0.00005; TOPMed 0.00006; ESP Exome Variant Server 0.00016.
gnomAD v4.1: 17 of 1,613,566 alleles (0.0011%); highest among the groups gnomAD compares: Admixed American, 0.013%; no homozygotes.

Submissions (2):

Labcorp Genetics (formerly Invitae), Labcorp
Classification: Uncertain significance for Hereditary spastic paraplegia 30; Neuropathy, hereditary sensory, type 2C; Intellectual disability, autosomal dominant 9. Last evaluated: 2025-08-20. Review status: criteria provided, single submitter. Criteria: Invitae Variant Classification Sherloc (09022015). Collection method: clinical testing. Allele origin: germline.
Comment: This sequence change replaces lysine, which is basic and polar, with arginine, which is basic and polar, at codon 571 of the KIF1A protein (p.Lys571Arg). This variant is present in population databases (rs374248209, gnomAD 0.009%). This variant has not been reported in the literature in individuals affected with KIF1A-related conditions. ClinVar contains an entry for this variant (Variation ID: 532865). Invitae Evidence Modeling of protein sequence and biophysical properties (such as structural, functional, and spatial information, amino acid conservation, physicochemical variation, residue mobility, and thermodynamic stability) has been performed for this missense variant. However, the output from this modeling did not meet the statistical confidence thresholds required to predict the impact of this variant on KIF1A protein function. In summary, the available evidence is currently insufficient to determine the role of this variant in disease. Therefore, it has been classified as a Variant of Uncertain Significance.

GeneDx
Classification: Uncertain significance. Last evaluated: 2024-11-11. Review status: criteria provided, single submitter. Criteria: GeneDx Variant Classification Process June 2021. Collection method: clinical testing. Allele origin: germline. Affected: yes.
Comment: In silico analysis indicates that this missense variant does not alter protein structure/function; Has not been previously published as pathogenic or benign to our knowledge; This variant is associated with the following publications: (PMID: 21376300, 21820098, 26125038)

NM_001244008.2(KIF1A):c.1739A>G (p.Lys580Arg)

Gene: KIF1A (kinesin family member 1A; minus strand). Cytogenetic location: 2q37.3.
Variant type: single nucleotide variant.
Coding change: c.1739A>G on transcript NM_001244008.2 (MANE Select); coding-DNA position 1739, A replaced by G.
Protein change: p.Lys580Arg; replaces lysine 580 with arginine.
Molecular consequence: missense variant.
Genome position (GRCh38, 1-based): chr2:240,765,739, T>C on the plus strand (A>G on the coding strand, the complement: KIF1A is on the minus strand). VCF-style: chr2-240765739-T-C. GRCh37 (hg19) VCF-style: chr2-241705156-T-C.
Other names: c.1739A>G, p.Lys580Arg (NM_001320705.2, NM_001330289.2, NM_001379638.1); c.1814A>G, p.Lys605Arg (NM_001330290.2, NM_001379631.1, NM_001379634.1 and 2 more transcripts); c.1712A>G, p.Lys571Arg (NM_001379632.1, NM_001379633.1, NM_001379636.1 and 10 more transcripts); c.1787A>G, p.Lys596Arg (NM_001379637.1, NM_001379648.1); short protein forms K571R, K580R, K605R, K596R.
Identifiers: ClinVar variation 532865 (VCV000532865.10), dbSNP rs374248209, ClinGen allele CA68174046.